The following is an entry in ClinVar:

ClinVar aggregate classification (germline): Uncertain significance. Review status: criteria provided, multiple submitters, no conflicts (2 of 4 stars). 3 submissions from 3 submitters: Uncertain significance (3). Last evaluated 2025-03-05.

Conditions:
Inborn genetic diseases. Identifiers: MedGen C0950123, MeSH D030342.
Troyer syndrome (SPG20). Identifiers: Orphanet 101000, MedGen C0393559, MONDO:0010156, OMIM 275900.

gnomAD v4.1: 16 of 1,613,944 alleles (0.00099%); highest among the groups gnomAD compares: African/African-American, 0.0027%; no homozygotes.

Submissions (3):

Dasa
Classification: Uncertain significance. Last evaluated: 2025-03-05. Review status: criteria provided, single submitter. Criteria: DASA Assertion Criteria. Collection method: clinical testing. Allele origin: germline.
Comment: NM_015087.5(SPART):c.746G>A (p.Arg249Gln) is a missense variant that results in the substitution of arginine with glutamine. This variant is rare in population databases. Computational prediction algorithms are consistent with a deleterious effect. The currently available literature and clinical evidence are not sufficient to establish a definitive association between this variant and the reported condition. Therefore, this variant is classified as a variant of uncertain significance.

Ambry Genetics
Classification: Uncertain significance for Inborn genetic diseases. Last evaluated: 2024-10-24. Review status: criteria provided, single submitter. Criteria: Ambry Variant Classification Scheme 2023. Collection method: clinical testing. Allele origin: germline.

Revvity Omics, Revvity
Classification: Uncertain significance for Troyer syndrome. Last evaluated: 2024-05-28. Review status: criteria provided, single submitter. Criteria: ACMG Guidelines, 2015. Collection method: clinical testing. Allele origin: germline.

NM_015087.5(SPART):c.746G>A (p.Arg249Gln)

Gene: SPART (spartin; minus strand). Cytogenetic location: 13q13.3.
Variant type: single nucleotide variant.
Coding change: c.746G>A on transcript NM_015087.5 (MANE Select); coding-DNA position 746, G replaced by A.
Protein change: p.Arg249Gln; replaces arginine 249 with glutamine.
Molecular consequence: missense variant.
Genome position (GRCh38, 1-based): chr13:36,335,085, C>T on the plus strand (G>A on the coding strand, the complement: SPART is on the minus strand). VCF-style: chr13-36335085-C-T. GRCh37 (hg19) VCF-style: chr13-36909222-C-T.
Other names: c.746G>A, p.Arg249Gln (NM_001142294.2, NM_001142295.2, NM_001142296.2); short protein forms R249Q.
Identifiers: ClinVar variation 3447819 (VCV003447819.4).